The following is an entry in ClinVar:

ClinVar aggregate classification (germline): Uncertain significance (1 of 4 stars; one submission).

Allele frequency attached by ClinVar (database versions not stated): gnomAD 0.00001; gnomAD exomes 0.00001; ExAC 0.00002; TOPMed 0.00002.
gnomAD v4.1: 21 of 1,613,982 alleles (0.0013%); highest among the groups gnomAD compares: Admixed American, 0.0067%; no homozygotes.

Submission:

Labcorp Genetics (formerly Invitae), Labcorp
Classification: Uncertain significance. Last evaluated: 2025-03-17. Review status: criteria provided, single submitter. Criteria: Invitae Variant Classification Sherloc (09022015). Collection method: clinical testing. Allele origin: germline.
Comment: This sequence change replaces histidine, which is basic and polar, with proline, which is neutral and non-polar, at codon 2072 of the FAT2 protein (p.His2072Pro). This variant is present in population databases (rs767396049, gnomAD 0.01%). This variant has not been reported in the literature in individuals affected with FAT2-related conditions. ClinVar contains an entry for this variant (Variation ID: 2419139). Invitae Evidence Modeling of protein sequence and biophysical properties (such as structural, functional, and spatial information, amino acid conservation, physicochemical variation, residue mobility, and thermodynamic stability) indicates that this missense variant is not expected to disrupt FAT2 protein function with a negative predictive value of 80%. In summary, the available evidence is currently insufficient to determine the role of this variant in disease. Therefore, it has been classified as a Variant of Uncertain Significance.

NM_001447.3(FAT2):c.6215A>C (p.His2072Pro)

Genes: FAT2 (FAT atypical cadherin 2; minus strand), SLC36A1 (solute carrier family 36 member 1; plus strand). Cytogenetic location: 5q33.1.
Variant type: single nucleotide variant.
Coding change: c.6215A>C on transcript NM_001447.3 (MANE Select); coding-DNA position 6215, A replaced by C.
Protein change: p.His2072Pro; replaces histidine 2072 with proline.
Molecular consequence: missense variant.
Genome position (GRCh38, 1-based): chr5:151,544,912, T>G on the plus strand (A>C on the coding strand, the complement: FAT2 is on the minus strand). VCF-style: chr5-151544912-T-G. GRCh37 (hg19) VCF-style: chr5-150924473-T-G.
Other names: short protein forms H2072P.
Identifiers: ClinVar variation 2419139 (VCV002419139.6), dbSNP rs767396049, ClinGen allele CA3521149.